The following is an entry in ClinVar:

ClinVar aggregate classification (germline): Uncertain significance (1 of 4 stars; one submission).

Conditions:
Inborn genetic diseases. Identifiers: MedGen C0950123, MeSH D030342.

Submission:

Ambry Genetics
Classification: Uncertain significance for Inborn genetic diseases. Last evaluated: 2022-11-19. Review status: criteria provided, single submitter. Criteria: Ambry Variant Classification Scheme 2023. Collection method: clinical testing. Allele origin: germline.
Comment: The p.Q885R variant (also known as c.2654A>G), located in coding exon 21 of the DPYD gene, results from an A to G substitution at nucleotide position 2654. The glutamine at codon 885 is replaced by arginine, an amino acid with highly similar properties. This amino acid position is conserved. In addition, this alteration is predicted to be tolerated by in silico analysis. Since supporting evidence is limited at this time, the clinical significance of this alteration remains unclear.

NM_000110.4(DPYD):c.2654A>G (p.Gln885Arg)

Genes: DPYD (dihydropyrimidine dehydrogenase; minus strand), DPYD-AS1 (DPYD antisense RNA 1; plus strand). Cytogenetic location: 1p21.3.
Variant type: single nucleotide variant.
Coding change: c.2654A>G on transcript NM_000110.4 (MANE Select); coding-DNA position 2654, A replaced by G.
Protein change: p.Gln885Arg; replaces glutamine 885 with arginine.
Molecular consequence: missense variant.
Genome position (GRCh38, 1-based): chr1:97,098,601, T>C on the plus strand (A>G on the coding strand, the complement: DPYD is on the minus strand). VCF-style: chr1-97098601-T-C. GRCh37 (hg19) VCF-style: chr1-97564157-T-C.
Other names: short protein forms Q885R.
Identifiers: ClinVar variation 2453342 (VCV002453342.2), dbSNP rs2524094303, ClinGen allele CA341374929.